The following is an entry in ClinVar:

ClinVar aggregate classification (germline): Uncertain significance (1 of 4 stars; one submission).

Conditions:
Hereditary cancer-predisposing syndrome. Also called: Neoplastic Syndromes, Hereditary; Tumor predisposition; Hereditary Cancer Syndrome; Hereditary neoplastic syndrome. Identifiers: Orphanet 140162, MedGen C0027672, MeSH D009386, MONDO:0015356.

Submission:

Ambry Genetics
Classification: Uncertain significance for Hereditary cancer-predisposing syndrome. Last evaluated: 2025-10-03. Review status: criteria provided, single submitter. Criteria: Ambry Variant Classification Scheme 2023. Collection method: clinical testing. Allele origin: germline.
Comment: The p.D1171H variant (also known as c.3511G>C), located in coding exon 28 of the EGFR gene, results from a G to C substitution at nucleotide position 3511. The aspartic acid at codon 1171 is replaced by histidine, an amino acid with similar properties. This amino acid position is conserved. In addition, the in silico prediction for this alteration is inconclusive. Based on the available evidence, the clinical significance of this variant remains unclear.

NM_005228.5(EGFR):c.3511G>C (p.Asp1171His)

Gene: EGFR (epidermal growth factor receptor; plus strand). Cytogenetic location: 7p11.2.
Variant type: single nucleotide variant.
Coding change: c.3511G>C on transcript NM_005228.5 (MANE Select); coding-DNA position 3511, G replaced by C.
Protein change: p.Asp1171His; replaces aspartic acid 1171 with histidine.
Molecular consequence: missense variant.
Genome position (GRCh38, 1-based): chr7:55,205,495, G>C. VCF-style: chr7-55205495-G-C. GRCh37 (hg19) VCF-style: chr7-55273188-G-C.
Other names: c.3376G>C, p.Asp1126His (NM_001346899.2); c.3352G>C, p.Asp1118His (NM_001346900.2); c.2710G>C, p.Asp904His (NM_001346941.2); short protein forms D1118H, D1171H, D904H, D1126H.
Identifiers: ClinVar variation 4638705 (VCV004638705.1).